The following is an entry in ClinVar:

ClinVar aggregate classification (germline): Uncertain significance. Review status: criteria provided, multiple submitters, no conflicts (2 of 4 stars). 2 submissions from 2 submitters: Uncertain significance (2). Last evaluated 2022-09-27.

Allele frequency attached by ClinVar (database versions not stated): gnomAD exomes 0.00004; ExAC 0.00006; gnomAD 0.00017 and 0.00018; ESP Exome Variant Server 0.00023; TOPMed 0.00023; 1000 Genomes Project 0.00060; 1000 Genomes Project 30x 0.00062.
gnomAD v4.1: 48 of 1,614,198 alleles (0.003%); highest among the groups gnomAD compares: African/African-American, 0.053%; no homozygotes.

Submissions (2):

Labcorp Genetics (formerly Invitae), Labcorp
Classification: Uncertain significance. Last evaluated: 2022-09-27. Review status: criteria provided, single submitter. Criteria: Invitae Variant Classification Sherloc (09022015). Collection method: clinical testing. Allele origin: germline.
Comment: This sequence change replaces asparagine, which is neutral and polar, with serine, which is neutral and polar, at codon 2660 of the LAMA1 protein (p.Asn2660Ser). In summary, the available evidence is currently insufficient to determine the role of this variant in disease. Therefore, it has been classified as a Variant of Uncertain Significance. Algorithms developed to predict the effect of sequence changes on RNA splicing suggest that this variant may create or strengthen a splice site. Advanced modeling of protein sequence and biophysical properties (such as structural, functional, and spatial information, amino acid conservation, physicochemical variation, residue mobility, and thermodynamic stability) performed at Invitae indicates that this missense variant is not expected to disrupt LAMA1 protein function. ClinVar contains an entry for this variant (Variation ID: 500447). This variant has not been reported in the literature in individuals affected with LAMA1-related conditions. This variant is present in population databases (rs149000406, gnomAD 0.07%).

Eurofins Ntd Llc (ga)
Classification: Uncertain significance. Last evaluated: 2017-04-14. Review status: criteria provided, single submitter. Criteria: EGL Classification Definitions 2015. Collection method: clinical testing. Allele origin: germline. Observed: 1 variant allele, 1 heterozygote.

NM_005559.4(LAMA1):c.7979A>G (p.Asn2660Ser)

Genes: LAMA1 (laminin subunit alpha 1; minus strand), LOC101927188 (uncharacterized LOC101927188; plus strand). Cytogenetic location: 18p11.31.
Variant type: single nucleotide variant.
Coding change: c.7979A>G on transcript NM_005559.4 (MANE Select); coding-DNA position 7979, A replaced by G.
Protein change: p.Asn2660Ser; replaces asparagine 2660 with serine.
Molecular consequence: missense variant. On other transcripts: non-coding transcript variant (1).
Genome position (GRCh38, 1-based): chr18:6,956,751, T>C on the plus strand (A>G on the coding strand, the complement: LAMA1 is on the minus strand). VCF-style: chr18-6956751-T-C. GRCh37 (hg19) VCF-style: chr18-6956750-T-C.
Other names: short protein forms N2660S.
Identifiers: ClinVar variation 500447 (VCV000500447.7), dbSNP rs149000406, ClinGen allele CA8880718.
Genomic context (GRCh38, chr18:6,956,751, plus strand): 5'-TTAGGCCTTTCTGACAGCCAGCAGGTGTCCAGGTCGACTTGCTCATGGCCAACTGCACTG[T>C]TGAAATCCAAAAGTCTAGGTAGAAACAAGAGAGTGTTTTCAAAATTAGGATATCACAAAC-3'
Protein context (NP_005550.2, residues 2650-2670): LIFNLELLDF[Asn2660Ser]SAVGHEQVDL